The following is an entry in ClinVar:

NM_000051.4(ATM):c.415G>A (p.Ala139Thr)

Gene: ATM (ATM serine/threonine kinase; plus strand). Cytogenetic location: 11q22.3.
Variant type: single nucleotide variant.
Coding change: c.415G>A on transcript NM_000051.4 (MANE Select); coding-DNA position 415, G replaced by A.
Protein change: p.Ala139Thr; replaces alanine 139 with threonine.
Molecular consequence: missense variant.
Genome position (GRCh38, 1-based): chr11:108,235,753, G>A. VCF-style: chr11-108235753-G-A. GRCh37 (hg19) VCF-style: chr11-108106480-G-A.
Other names: c.415G>A, p.Ala139Thr (NM_001351834.2); short protein forms A139T.
Identifiers: ClinVar variation 3967414 (VCV003967414.1).

ClinVar aggregate classification (germline): Uncertain significance (1 of 4 stars; one submission).

Conditions:
Hereditary cancer-predisposing syndrome. Also called: Tumor predisposition; Hereditary neoplastic syndrome; Hereditary Cancer Syndrome; Neoplastic Syndromes, Hereditary. Identifiers: Orphanet 140162, MedGen C0027672, MeSH D009386, MONDO:0015356.

Submission:

Ambry Genetics
Classification: Uncertain significance for Hereditary cancer-predisposing syndrome. Last evaluated: 2025-05-29. Review status: criteria provided, single submitter. Criteria: Ambry Variant Classification Scheme 2023. Collection method: clinical testing. Allele origin: germline.
Comment: The p.A139T variant (also known as c.415G>A), located in coding exon 4 of the ATM gene, results from a G to A substitution at nucleotide position 415. The alanine at codon 139 is replaced by threonine, an amino acid with similar properties. This amino acid position is conserved. In addition, this alteration is predicted to be tolerated by in silico analysis. Based on the available evidence, the clinical significance of this variant remains unclear.